The following is an entry in ClinVar:

NM_012280.4(FTSJ1):c.434A>G (p.His145Arg)

Gene: FTSJ1 (FtsJ RNA 2'-O-methyltransferase 1; plus strand). Cytogenetic location: Xp11.23.
Variant type: single nucleotide variant.
Coding change: c.434A>G on transcript NM_012280.4 (MANE Select); coding-DNA position 434, A replaced by G.
Protein change: p.His145Arg; replaces histidine 145 with arginine.
Molecular consequence: missense variant.
Genome position (GRCh38, 1-based): chrX:48,481,308, A>G. VCF-style: chrX-48481308-A-G. GRCh37 (hg19) VCF-style: chrX-48339696-A-G.
Other names: c.23A>G, p.His8Arg (NM_001282157.2); c.434A>G, p.His145Arg (NM_177439.3); short protein forms H145R, H8R.
Identifiers: ClinVar variation 1197882 (VCV001197882.2), dbSNP rs2147095288, ClinGen allele CA412855805.

ClinVar aggregate classification (germline): Uncertain significance (1 of 4 stars; one submission).

Allele frequency attached by ClinVar (database versions not stated): gnomAD exomes below 0.00001.
gnomAD v4.1: 4 of 1,208,859 alleles (0.00033%); highest among the groups gnomAD compares: African/African-American, 0.0017%; no homozygotes.

Submission:

GeneDx
Classification: Uncertain significance. Last evaluated: 2020-01-12. Review status: criteria provided, single submitter. Criteria: GeneDx Variant Classification Process June 2021. Collection method: clinical testing. Allele origin: germline. Affected: yes.
Comment: Not observed in large population cohorts (Lek et al., 2016); In silico analysis, which includes protein predictors and evolutionary conservation, supports a deleterious effect; Has not been previously published as pathogenic or benign to our knowledge